The following is an entry in ClinVar:

NM_014908.4(DOLK):c.579G>A (p.Glu193=)

Gene: DOLK (dolichol kinase; minus strand). Cytogenetic location: 9q34.11.
Variant type: single nucleotide variant.
Coding change: c.579G>A on transcript NM_014908.4 (MANE Select); coding-DNA position 579, G replaced by A.
Protein change: p.Glu193=; no amino-acid change (glutamic acid 193 retained).
Molecular consequence: synonymous variant.
Genome position (GRCh38, 1-based): chr9:128,946,725, C>T on the plus strand (G>A on the coding strand, the complement: DOLK is on the minus strand). VCF-style: chr9-128946725-C-T. GRCh37 (hg19) VCF-style: chr9-131709004-C-T.
Identifiers: ClinVar variation 365196 (VCV000365196.24), dbSNP rs28365522, ClinGen allele CA5271716.

ClinVar aggregate classification (germline): Conflicting classifications of pathogenicity. Review status: criteria provided, conflicting classifications (1 of 4 stars). 6 submissions from 6 submitters: Uncertain significance (1); Benign (1); Likely benign (3). 1 of the submissions does not count toward it. Last evaluated 2026-07-01.

Conditions:
DOLK-related disorder. Also called: DOLK-related condition.
Cardiovascular phenotype. Identifiers: MedGen CN230736.
DK1-congenital disorder of glycosylation. Also called: DK1-CDG; CONGENITAL DISORDER OF GLYCOSYLATION, TYPE Im; DOLK-congenital disorder of glycosylation; Carbohydrate deficient glycoprotein syndrome type 1m; CDG Im; DK1 DEFICIENCY. Identifiers: Orphanet 91131, MedGen C1835849, MONDO:0012556, OMIM 610768.

Allele frequency attached by ClinVar (database versions not stated): gnomAD 0.00017 and 0.00031; TOPMed 0.00031; gnomAD exomes 0.00034 and 0.00047; ExAC 0.00052; 1000 Genomes Project 30x 0.00172; 1000 Genomes Project 0.00220.

Submissions (6):

CeGaT Center for Human Genetics Tuebingen
Classification: Likely benign. Last evaluated: 2026-07-01. Review status: criteria provided, single submitter. Criteria: CeGaT Center For Human Genetics Tuebingen Variant Classification Criteria Version 2. Collection method: clinical testing. Allele origin: germline. Affected: yes. Observed: 1 variant allele.
Comment: DOLK: BP4, BP7

Labcorp Genetics (formerly Invitae), Labcorp
Classification: Benign for DK1-congenital disorder of glycosylation. Last evaluated: 2026-01-14. Review status: criteria provided, single submitter. Criteria: Invitae Variant Classification Sherloc (09022015). Collection method: clinical testing. Allele origin: germline.

Ambry Genetics
Classification: Likely benign for Cardiovascular phenotype. Last evaluated: 2020-09-02. Review status: criteria provided, single submitter. Criteria: Ambry Variant Classification Scheme 2023. Collection method: clinical testing. Allele origin: germline.

GeneDx
Classification: Likely benign. Last evaluated: 2019-06-25. Review status: criteria provided, single submitter. Criteria: GeneDx Variant Classification Process June 2021. Collection method: clinical testing. Allele origin: germline. Affected: yes.

Illumina Laboratory Services, Illumina
Classification: Uncertain significance for DK1-congenital disorder of glycosylation. Last evaluated: 2018-01-12. Review status: criteria provided, single submitter. Criteria: ICSL Variant Classification Criteria 13 December 2019. Collection method: clinical testing. Allele origin: germline.

PreventionGenetics, part of Exact Sciences
Classification: Likely benign for DOLK-related condition. Last evaluated: 2023-04-17. Review status: no assertion criteria provided. Collection method: clinical testing. Allele origin: germline. Not counted in ClinVar's aggregate classification.
Comment: This variant is classified as likely benign based on ACMG/AMP sequence variant interpretation guidelines (Richards et al. 2015 PMID: 25741868, with internal and published modifications).